The following is an entry in ClinVar:

NM_080424.4(SP110):c.1412C>A (p.Ala471Glu)

Gene: SP110 (SP110 nuclear body protein; minus strand). Cytogenetic location: 2q37.1.
Variant type: single nucleotide variant.
Coding change: c.1412C>A on transcript NM_080424.4 (MANE Select); coding-DNA position 1412, C replaced by A.
Protein change: p.Ala471Glu; replaces alanine 471 with glutamic acid.
Molecular consequence: missense variant.
Genome position (GRCh38, 1-based): chr2:230,178,192, G>T on the plus strand (C>A on the coding strand, the complement: SP110 is on the minus strand). VCF-style: chr2-230178192-G-T. GRCh37 (hg19) VCF-style: chr2-231042908-G-T.
Other names: c.1430C>A, p.Ala477Glu (NM_001185015.2, NM_001378442.1, NM_001378444.1 and 2 more transcripts); c.1412C>A, p.Ala471Glu (NM_001378443.1, NM_004509.5, NM_004510.4); c.1262C>A, p.Ala421Glu (NM_001378447.1); short protein forms A477E, A471E, A421E.
Identifiers: ClinVar variation 3447561 (VCV003447561.2).
Genomic context (GRCh38, chr2:230,178,192, plus strand): 5'-AAGAGCAGAAGACCAAGGAACTCACCGTGTTTCATTTTCTTCTTATATAAAATCCCTTTC[G>T]CCTCACCACAGGTCACGGGGAGCTTAGAACAGTGAAAATCCACAGTGTCACTTTTGGGTT-3'
Protein context (NP_536349.3, residues 461-481): CSKLPVTCGE[Ala471Glu]KGILYKKKMK

ClinVar aggregate classification (germline): Uncertain significance. Review status: criteria provided, multiple submitters, no conflicts (2 of 4 stars). 2 submissions from 2 submitters: Uncertain significance (2). Last evaluated 2025-02-13.

Conditions:
Inborn genetic diseases. Identifiers: MedGen C0950123, MeSH D030342.
Hepatic veno-occlusive disease-immunodeficiency syndrome. Also called: Hepatic Veno-Occlusive Disease with Immunodeficiency. Identifiers: Orphanet 79124, MedGen C1856128, MONDO:0009338, OMIM 235550. Disease mechanism: loss of function.

Submissions (2):

Labcorp Genetics (formerly Invitae), Labcorp
Classification: Uncertain significance for Hepatic veno-occlusive disease-immunodeficiency syndrome. Last evaluated: 2025-02-13. Review status: criteria provided, single submitter. Criteria: Invitae Variant Classification Sherloc (09022015). Collection method: clinical testing. Allele origin: germline.
Comment: This sequence change replaces alanine, which is neutral and non-polar, with glutamic acid, which is acidic and polar, at codon 471 of the SP110 protein (p.Ala471Glu). The frequency data for this variant in the population databases is considered unreliable, as metrics indicate poor data quality at this position in the gnomAD database. This variant has not been reported in the literature in individuals affected with SP110-related conditions. ClinVar contains an entry for this variant (Variation ID: 3447561). An algorithm developed to predict the effect of missense changes on protein structure and function outputs the following: PolyPhen-2: "Probably Damaging". The glutamic acid amino acid residue is found in multiple mammalian species, which suggests that this missense change does not adversely affect protein function. In summary, the available evidence is currently insufficient to determine the role of this variant in disease. Therefore, it has been classified as a Variant of Uncertain Significance.

Ambry Genetics
Classification: Uncertain significance for Inborn genetic diseases. Last evaluated: 2024-08-27. Review status: criteria provided, single submitter. Criteria: Ambry Variant Classification Scheme 2023. Collection method: clinical testing. Allele origin: germline.